The following is an entry in ClinVar:

NM_000346.4(SOX9):c.991G>A (p.Ala331Thr)

Gene: SOX9 (SRY-box transcription factor 9; plus strand). Cytogenetic location: 17q24.3.
Variant type: single nucleotide variant.
Coding change: c.991G>A on transcript NM_000346.4 (MANE Select); coding-DNA position 991, G replaced by A.
Protein change: p.Ala331Thr; replaces alanine 331 with threonine.
Molecular consequence: missense variant.
Genome position (GRCh38, 1-based): chr17:72,123,848, G>A. VCF-style: chr17-72123848-G-A. GRCh37 (hg19) VCF-style: chr17-70119989-G-A.
Other names: c.991G>A (NM_000346.3); short protein forms A331T.
Identifiers: ClinVar variation 1564373 (VCV001564373.9), dbSNP rs199887368, ClinGen allele CA8739067.

ClinVar aggregate classification (germline): Likely benign. Review status: criteria provided, multiple submitters, no conflicts (2 of 4 stars). 2 submissions from 2 submitters: Likely benign (2). Last evaluated 2025-10-07.

Conditions:
Camptomelic dysplasia (CMPD). Also called: Campomelic Dysplasia; CMPD1/SRA1. Identifiers: Orphanet 140, MedGen C1861922, MONDO:0007251, OMIM 114290.
SOX9-related disorder. Also called: SOX9-related condition.

Allele frequency attached by ClinVar (database versions not stated): 1000 Genomes Project 0.00020; ESP Exome Variant Server 0.00033; TOPMed 0.00035; gnomAD 0.00038 and 0.00043; 1000 Genomes Project 30x 0.00016; ExAC 0.00016.

Submissions (2):

Labcorp Genetics (formerly Invitae), Labcorp
Classification: Likely benign for Camptomelic dysplasia. Last evaluated: 2025-10-07. Review status: criteria provided, single submitter. Criteria: Invitae Variant Classification Sherloc (09022015). Collection method: clinical testing. Allele origin: germline.

PreventionGenetics, part of Exact Sciences
Classification: Likely benign for SOX9-related condition. Last evaluated: 2025-03-20. Review status: criteria provided, single submitter. Criteria: ACMG Guidelines, 2015. Collection method: clinical testing. Allele origin: germline.
Comment: This variant is classified as likely benign based on ACMG/AMP sequence variant interpretation guidelines (Richards et al. 2015 PMID: 25741868, with internal and published modifications).